The following is an entry in ClinVar:

NM_001931.5(DLAT):c.787+272T>C

Gene: DLAT (dihydrolipoamide S-acetyltransferase; plus strand). Cytogenetic location: 11q23.1.
Variant type: single nucleotide variant.
Coding change: c.787+272T>C on transcript NM_001931.5 (MANE Select); 272 bases into the intron after coding-DNA position 787, T replaced by C.
Molecular consequence: intron variant.
Genome position (GRCh38, 1-based): chr11:112,033,802, T>C. VCF-style: chr11-112033802-T-C. GRCh37 (hg19) VCF-style: chr11-111904526-T-C.
Other names: c.325+272T>C (NM_001372042.1); c.787+272T>C (NM_001372031.1, NM_001372033.1, NM_001372035.1 and 1 more transcripts); c.660+4857T>C (NM_001372039.1, NM_001372041.1); c.508+272T>C (NM_001372038.1); c.406+272T>C (NM_001372040.1); c.754+272T>C (NM_001372034.1); c.661+272T>C (NM_001372036.1); c.619+272T>C (NM_001372037.1).
Identifiers: ClinVar variation 669860 (VCV000669860.1), dbSNP rs694747, ClinGen allele CA13396858.

ClinVar aggregate classification (germline): Benign (1 of 4 stars; one submission).

Allele frequency attached by ClinVar (database versions not stated): TOPMed 0.51789; 1000 Genomes Project 0.54213; 1000 Genomes Project 30x 0.54325.
gnomAD v4.1: 76,497 of 152,108 alleles (50%); highest among the groups gnomAD compares: African/African-American, 78%; 21,580 homozygotes.

Submission:

GeneDx
Classification: Benign. Last evaluated: 2018-06-14. Review status: criteria provided, single submitter. Criteria: GeneDx Variant Classification (06012015). Collection method: clinical testing. Allele origin: germline. Affected: yes.
Comment: This variant is considered likely benign or benign based on one or more of the following criteria: it is a conservative change, it occurs at a poorly conserved position in the protein, it is predicted to be benign by multiple in silico algorithms, and/or has population frequency not consistent with disease.